The following is an entry in ClinVar:

ClinVar aggregate classification (germline): Uncertain significance. Review status: criteria provided, multiple submitters, no conflicts (2 of 4 stars). 4 submissions from 4 submitters: Uncertain significance (4). Last evaluated 2025-06-04.

Conditions:
DICER1-related tumor predisposition. Also called: DICER1-related pleuropulmonary blastoma cancer predisposition syndrome; DICER1 syndrome. Identifiers: Orphanet 284343, MedGen C3839822, MONDO:0100216.
Hereditary cancer-predisposing syndrome. Also called: Neoplastic Syndromes, Hereditary; Tumor predisposition; Hereditary Cancer Syndrome; Hereditary neoplastic syndrome. Identifiers: Orphanet 140162, MedGen C0027672, MeSH D009386, MONDO:0015356.

Allele frequency attached by ClinVar (database versions not stated): TOPMed 0.00001; ESP Exome Variant Server 0.00008.

Submissions (4):

Labcorp Genetics (formerly Invitae), Labcorp
Classification: Uncertain significance for DICER1-related tumor predisposition. Last evaluated: 2025-06-04. Review status: criteria provided, single submitter. Criteria: Invitae Variant Classification Sherloc (09022015). Collection method: clinical testing. Allele origin: germline.
Comment: This sequence change replaces serine, which is neutral and polar, with tyrosine, which is neutral and polar, at codon 887 of the DICER1 protein (p.Ser887Tyr). This variant is present in population databases (rs139441077, gnomAD 0.002%). This variant has not been reported in the literature in individuals affected with DICER1-related conditions. ClinVar contains an entry for this variant (Variation ID: 543641). Invitae Evidence Modeling of protein sequence and biophysical properties (such as structural, functional, and spatial information, amino acid conservation, physicochemical variation, residue mobility, and thermodynamic stability) indicates that this missense variant is not expected to disrupt DICER1 protein function with a negative predictive value of 95%. In summary, the available evidence is currently insufficient to determine the role of this variant in disease. Therefore, it has been classified as a Variant of Uncertain Significance.

Ambry Genetics
Classification: Uncertain significance for Hereditary cancer-predisposing syndrome. Last evaluated: 2025-05-27. Review status: criteria provided, single submitter. Criteria: Ambry Variant Classification Scheme 2023. Collection method: clinical testing. Allele origin: germline.
Comment: The p.S887Y variant (also known as c.2660C>A), located in coding exon 16 of the DICER1 gene, results from a C to A substitution at nucleotide position 2660. The serine at codon 887 is replaced by tyrosine, an amino acid with dissimilar properties. This amino acid position is highly conserved in available vertebrate species. In addition, the in silico prediction for this alteration is inconclusive. Based on the available evidence, the clinical significance of this variant remains unclear.

GeneDx
Classification: Uncertain significance. Last evaluated: 2023-08-20. Review status: criteria provided, single submitter. Criteria: GeneDx Variant Classification Process June 2021. Collection method: clinical testing. Allele origin: germline. Affected: yes.
Comment: Not observed at significant frequency in large population cohorts (gnomAD); In silico analysis supports that this missense variant has a deleterious effect on protein structure/function; Has not been previously published as pathogenic or benign to our knowledge

Sema4
Classification: Uncertain significance for Hereditary cancer-predisposing syndrome. Last evaluated: 2022-03-06. Review status: criteria provided, single submitter. Criteria: Sema4 Curation Guidelines. Collection method: curation. Allele origin: germline.
Comment: The DICER1 c.2660C>A (p.S887Y) variant has not been reported in the literature to our knowledge. This variant was observed in 3/128874 chromosomes in the Non-Finnish European population according to the Genome Aggregation Database (PMID: 32461654). The variant has been reported in ClinVar (Variation ID: 543641). Functional studies have not been performed, and in silico predictions of the variant's effect on protein function are inconclusive. The evidence is insufficient to meet ACMG/AMP criteria for classifying the variant as benign or pathogenic. Thus, the clinical significance of this variant is currently uncertain.

NM_177438.3(DICER1):c.2660C>A (p.Ser887Tyr)

Gene: DICER1 (dicer 1, ribonuclease III; minus strand). Cytogenetic location: 14q32.13.
Variant type: single nucleotide variant.
Coding change: c.2660C>A on transcript NM_177438.3 (MANE Select); coding-DNA position 2660, C replaced by A.
Protein change: p.Ser887Tyr; replaces serine 887 with tyrosine.
Molecular consequence: missense variant.
Genome position (GRCh38, 1-based): chr14:95,107,752, G>T on the plus strand (C>A on the coding strand, the complement: DICER1 is on the minus strand). VCF-style: chr14-95107752-G-T. GRCh37 (hg19) VCF-style: chr14-95574089-G-T.
Other names: c.2660C>A, p.Ser887Tyr (NM_001195573.1, NM_001271282.3, NM_001291628.2 and 1 more transcripts); short protein forms S887Y.
Identifiers: ClinVar variation 543641 (VCV000543641.15), dbSNP rs139441077, ClinGen allele CA7331193.
Genomic context (GRCh38, chr14:95,107,752, plus strand): 5'-ATGCGAGCTTCAGACTTCTCAATATCTTCCATGAATTTAAAGTCAATATCCAAAGTGCTG[G>T]AGTCATTAACTTAGAAGAGAAAAACGACTCTTTAGCTTGTTAAAACATGATACAGATAAG-3'
Protein context (NP_803187.1, residues 877-897): CVLPLNVVND[Ser887Tyr]STLDIDFKFM